The following is an entry in ClinVar:

ClinVar aggregate classification (germline): Likely pathogenic (1 of 4 stars; one submission).

Conditions:
Spastic paraplegia. Identifiers: MedGen C0037772, HP:0001258.

Allele frequency attached by ClinVar (database versions not stated): TOPMed below 0.00001.

Submission:

Labcorp Genetics (formerly Invitae), Labcorp
Classification: Likely pathogenic for Spastic paraplegia. Last evaluated: 2023-01-06. Review status: criteria provided, single submitter. Criteria: Invitae Variant Classification Sherloc (09022015). Collection method: clinical testing. Allele origin: germline.
Comment: In summary, the currently available evidence indicates that the variant is pathogenic, but additional data are needed to prove that conclusively. Therefore, this variant has been classified as Likely Pathogenic. This sequence change affects a donor splice site in intron 4 of the CYP7B1 gene. It is expected to disrupt RNA splicing. Variants that disrupt the donor or acceptor splice site typically lead to a loss of protein function (PMID: 16199547), and loss-of-function variants in CYP7B1 are known to be pathogenic (PMID: 9802883, 19363635, 19439420, 21541746, 21567895, 28039895). This variant is not present in population databases (gnomAD no frequency). This variant has not been reported in the literature in individuals affected with CYP7B1-related conditions. Algorithms developed to predict the effect of sequence changes on RNA splicing suggest that this variant may disrupt the consensus splice site.

Literature cited by the submitters: PubMed 16199547; PubMed 9802883; PubMed 19363635; PubMed 19439420; PubMed 21541746; PubMed 21567895; PubMed 28039895.

NM_004820.5(CYP7B1):c.1057+1G>A

Gene: CYP7B1 (cytochrome P450 family 7 subfamily B member 1; minus strand). Cytogenetic location: 8q12.3.
Variant type: single nucleotide variant.
Coding change: c.1057+1G>A on transcript NM_004820.5 (MANE Select); the canonical splice donor site of the intron after coding-DNA position 1057, G replaced by A.
Molecular consequence: splice donor variant.
Genome position (GRCh38, 1-based): chr8:64,615,025, C>T on the plus strand (G>A on the coding strand, the complement: CYP7B1 is on the minus strand). VCF-style: chr8-64615025-C-T. GRCh37 (hg19) VCF-style: chr8-65527582-C-T.
Other names: c.1057+1G>A (NM_001324112.2).
Identifiers: ClinVar variation 2826489 (VCV002826489.3), dbSNP rs1199238856, ClinGen allele CA371334378.
Genomic context (GRCh38, chr8:64,615,025, plus strand): 5'-TGATAAACCGAGTTTGCAGAGAGGTACCTTCTTTTCTTCATAACAGATAAAAATAAATTA[C>T]CTAGGCAGATTAGGCTGTCCAATTGTTCTCTGGTGAGGTGGATGGGAAATCCAGACCCTT-3'